The following is an entry in ClinVar:

NM_022575.4(VPS16):c.1561G>T (p.Asp521Tyr)

Gene: VPS16 (VPS16 core subunit of CORVET and HOPS complexes; plus strand). Cytogenetic location: 20p13.
Variant type: single nucleotide variant.
Coding change: c.1561G>T on transcript NM_022575.4 (MANE Select); coding-DNA position 1561, G replaced by T.
Protein change: p.Asp521Tyr; replaces aspartic acid 521 with tyrosine.
Molecular consequence: missense variant.
Genome position (GRCh38, 1-based): chr20:2,864,033, G>T. VCF-style: chr20-2864033-G-T. GRCh37 (hg19) VCF-style: chr20-2844679-G-T.
Other names: c.1129G>T, p.Asp377Tyr (NM_080413.3); short protein forms D377Y, D521Y.
Identifiers: ClinVar variation 2630608 (VCV002630608.1), dbSNP rs61729231, ClinGen allele CA310897321.

ClinVar aggregate classification (germline): Uncertain significance (1 of 4 stars; one submission).

Conditions:
VPS16-related disorder. Also called: VPS16-related condition.

Submission:

PreventionGenetics, part of Exact Sciences
Classification: Uncertain significance for VPS16-related condition. Last evaluated: 2023-09-27. Review status: criteria provided, single submitter. Criteria: ACMG Guidelines, 2015. Collection method: clinical testing. Allele origin: germline.
Comment: The VPS16 c.1561G>T variant is predicted to result in the amino acid substitution p.Asp521Tyr. To our knowledge, this variant has not been reported in the literature. This variant is reported in 0.0018% of alleles in individuals of European (Non-Finnish) descent in gnomAD. At this time, the clinical significance of this variant is uncertain due to the absence of conclusive functional and genetic evidence.